The following is an entry in ClinVar:

NM_001378183.1(PIEZO2):c.6355A>G (p.Ile2119Val)

Gene: PIEZO2 (piezo type mechanosensitive ion channel component 2; minus strand). Cytogenetic location: 18p11.22.
Variant type: single nucleotide variant.
Coding change: c.6355A>G on transcript NM_001378183.1 (MANE Select); coding-DNA position 6355, A replaced by G.
Protein change: p.Ile2119Val; replaces isoleucine 2119 with valine.
Molecular consequence: missense variant.
Genome position (GRCh38, 1-based): chr18:10,702,075, T>C on the plus strand (A>G on the coding strand, the complement: PIEZO2 is on the minus strand). VCF-style: chr18-10702075-T-C. GRCh37 (hg19) VCF-style: chr18-10702073-T-C.
Other names: c.6091A>G, p.Ile2031Val (NM_001410871.1); c.6016A>G, p.Ile2006Val (NM_022068.4); c.6016A>G (NM_022068.2); short protein forms I2119V, I2006V, I2031V.
Identifiers: ClinVar variation 2906032 (VCV002906032.4), dbSNP rs1300302750, ClinGen allele CA401909376.

ClinVar aggregate classification (germline): Uncertain significance. Review status: criteria provided, multiple submitters, no conflicts (2 of 4 stars). 2 submissions from 2 submitters: Uncertain significance (2). Last evaluated 2025-06-03.

Conditions:
Inborn genetic diseases. Identifiers: MedGen C0950123, MeSH D030342.

Allele frequency attached by ClinVar (database versions not stated): TOPMed below 0.00001; gnomAD 0.00001.
gnomAD v4.1: 11 of 1,536,954 alleles (0.00072%); highest among the groups gnomAD compares: Non-Finnish European, 0.00096%; no homozygotes.

Submissions (2):

Ambry Genetics
Classification: Uncertain significance for Inborn genetic diseases. Last evaluated: 2025-06-03. Review status: criteria provided, single submitter. Criteria: Ambry Variant Classification Scheme 2023. Collection method: clinical testing. Allele origin: germline.

Labcorp Genetics (formerly Invitae), Labcorp
Classification: Uncertain significance. Last evaluated: 2024-08-31. Review status: criteria provided, single submitter. Criteria: Invitae Variant Classification Sherloc (09022015). Collection method: clinical testing. Allele origin: germline.
Comment: This sequence change replaces isoleucine, which is neutral and non-polar, with valine, which is neutral and non-polar, at codon 2006 of the PIEZO2 protein (p.Ile2006Val). This variant is present in population databases (no rsID available, gnomAD 0.007%). This variant has not been reported in the literature in individuals affected with PIEZO2-related conditions. Invitae Evidence Modeling of protein sequence and biophysical properties (such as structural, functional, and spatial information, amino acid conservation, physicochemical variation, residue mobility, and thermodynamic stability) indicates that this missense variant is not expected to disrupt PIEZO2 protein function with a negative predictive value of 80%. In summary, the available evidence is currently insufficient to determine the role of this variant in disease. Therefore, it has been classified as a Variant of Uncertain Significance.